The following is an entry in ClinVar:

NM_005458.8(GABBR2):c.2584C>T (p.Pro862Ser)

Gene: GABBR2 (gamma-aminobutyric acid type B receptor subunit 2; minus strand). Cytogenetic location: 9q22.33.
Variant type: single nucleotide variant.
Coding change: c.2584C>T on transcript NM_005458.8 (MANE Select); coding-DNA position 2584, C replaced by T.
Protein change: p.Pro862Ser; replaces proline 862 with serine.
Molecular consequence: missense variant.
Genome position (GRCh38, 1-based): chr9:98,293,861, G>A on the plus strand (C>T on the coding strand, the complement: GABBR2 is on the minus strand). VCF-style: chr9-98293861-G-A. GRCh37 (hg19) VCF-style: chr9-101056143-G-A.
Other names: short protein forms P862S.
Identifiers: ClinVar variation 462132 (VCV000462132.8), dbSNP rs891861059, ClinGen allele CA196813992.

ClinVar aggregate classification (germline): Uncertain significance (1 of 4 stars; one submission).

Conditions:
Epileptic encephalopathy. Identifiers: MedGen C0543888, HP:0200134.

Allele frequency attached by ClinVar (database versions not stated): TOPMed below 0.00001.

Submission:

Labcorp Genetics (formerly Invitae), Labcorp
Classification: Uncertain significance for Epileptic encephalopathy. Last evaluated: 2024-12-29. Review status: criteria provided, single submitter. Criteria: Invitae Variant Classification Sherloc (09022015). Collection method: clinical testing. Allele origin: germline.
Comment: This sequence change replaces proline, which is neutral and non-polar, with serine, which is neutral and polar, at codon 862 of the GABBR2 protein (p.Pro862Ser). This variant is not present in population databases (gnomAD no frequency). This variant has not been reported in the literature in individuals affected with GABBR2-related conditions. ClinVar contains an entry for this variant (Variation ID: 462132). An algorithm developed to predict the effect of missense changes on protein structure and function (PolyPhen-2) suggests that this variant is likely to be tolerated. In summary, the available evidence is currently insufficient to determine the role of this variant in disease. Therefore, it has been classified as a Variant of Uncertain Significance.